The following is an entry in ClinVar:

NM_000617.3(SLC11A2):c.*546G>A

Gene: SLC11A2 (solute carrier family 11 member 2; minus strand). Cytogenetic location: 12q13.12.
Variant type: single nucleotide variant.
Coding change: c.*546G>A on transcript NM_000617.3 (MANE Select); 546 bases downstream of the stop codon, G replaced by A.
Molecular consequence: 3 prime UTR variant. On other transcripts: non-coding transcript variant (4), intron variant (8).
Genome position (GRCh38, 1-based): chr12:50,987,779, C>T on the plus strand (G>A on the coding strand, the complement: SLC11A2 is on the minus strand). VCF-style: chr12-50987779-C-T. GRCh37 (hg19) VCF-style: chr12-51381562-C-T.
Other names: c.*546G>A (NM_001174125.2, NM_001174128.2, NM_001174129.2 and 6 more transcripts); c.1716+603G>A (NM_001379446.1); c.1518+603G>A (NM_001414747.1); c.1629+603G>A (NM_001174127.2, NM_001174126.2, NM_001379447.2); c.*25+521G>A (NM_001414744.1, NM_001414746.1); c.1617+603G>A (NM_001379448.1).
Identifiers: ClinVar variation 309296 (VCV000309296.6), dbSNP rs193030246, ClinGen allele CA6566392.

ClinVar aggregate classification (germline): Likely benign. Review status: criteria provided, multiple submitters, no conflicts (2 of 4 stars). 2 submissions from 2 submitters: Likely benign (2). Last evaluated 2018-01-13.

Conditions:
Microcytic anemia with liver iron overload. Also called: Anemia, hypochromic microcytic, with iron overload 1. Identifiers: Orphanet 83642, MedGen C3806153, MONDO:0008787, OMIM 206100.

Allele frequency attached by ClinVar (database versions not stated): TOPMed 0.00156; 1000 Genomes Project 30x 0.00172; gnomAD exomes 0.00174 and 0.00312; 1000 Genomes Project 0.00180; gnomAD 0.00145 and 0.00126; ExAC 0.00583.
gnomAD v4.1: 2,277 of 1,285,428 alleles (0.18%); highest among the groups gnomAD compares: Middle Eastern, 2.9%; 15 homozygotes.

Submissions (2):

Illumina Laboratory Services, Illumina
Classification: Likely benign for Microcytic anemia with liver iron overload. Last evaluated: 2018-01-13. Review status: criteria provided, single submitter. Criteria: ICSL Variant Classification Criteria 13 December 2019. Collection method: clinical testing. Allele origin: germline.
Comment: This variant was observed in the ICSL laboratory as part of a predisposition screen in an ostensibly healthy population. It had not been previously curated by ICSL or reported in the Human Gene Mutation Database (HGMD: prior to June 1st, 2018), and was therefore a candidate for classification through an automated scoring system. Utilizing variant allele frequency, disease prevalence and penetrance estimates, and inheritance mode, an automated score was calculated to assess if this variant is too frequent to cause the disease. Based on the score and internal cut-off values, a variant classified as likely benign is not then subjected to further curation. The score for this variant resulted in a classification of likely benign for this disease.

Breakthrough Genomics
Classification: Likely benign. Review status: criteria provided, single submitter. Criteria: ACMG Guidelines, 2015. Collection method: not provided. Allele origin: germline. Inheritance: Autosomal recessive inheritance. Affected: yes.